The following is an entry in ClinVar:

ClinVar aggregate classification (germline): Uncertain significance. Review status: criteria provided, multiple submitters, no conflicts (2 of 4 stars). 2 submissions from 2 submitters: Uncertain significance (2). Last evaluated 2026-02-15.

Conditions:
Cardiovascular phenotype. Identifiers: MedGen CN230736.
Long QT syndrome (LQTS). Identifiers: MedGen C0023976, MeSH D008133, MONDO:0002442. Disease mechanism: loss of function. Inheritance: Various modes of inheritance.

Allele frequency attached by ClinVar (database versions not stated): ExAC 0.00002; ESP Exome Variant Server 0.00008; gnomAD 0.00001; gnomAD exomes 0.00001; TOPMed 0.00001.
gnomAD v4.1: 5 of 1,613,888 alleles (0.00031%); highest among the groups gnomAD compares: Non-Finnish European, 0.00042%; no homozygotes.

Submissions (2):

Ambry Genetics
Classification: Uncertain significance for Cardiovascular phenotype. Last evaluated: 2026-02-15. Review status: criteria provided, single submitter. Criteria: Ambry Variant Classification Scheme 2023. Collection method: clinical testing. Allele origin: germline.
Comment: The p.V401F variant (also known as c.1201G>T), located in coding exon 8 of the AKAP9 gene, results from a G to T substitution at nucleotide position 1201. The valine at codon 401 is replaced by phenylalanine, an amino acid with highly similar properties. This amino acid position is conserved. In addition, the in silico prediction for this alteration is inconclusive. Based on the available evidence, the clinical significance of this variant remains unclear.

Labcorp Genetics (formerly Invitae), Labcorp
Classification: Uncertain significance for Long QT syndrome. Last evaluated: 2023-06-17. Review status: criteria provided, single submitter. Criteria: Invitae Variant Classification Sherloc (09022015). Collection method: clinical testing. Allele origin: germline.
Comment: In summary, the available evidence is currently insufficient to determine the role of this variant in disease. Therefore, it has been classified as a Variant of Uncertain Significance. An algorithm developed to predict the effect of missense changes on protein structure and function (PolyPhen-2) suggests that this variant is likely to be disruptive. This variant has not been reported in the literature in individuals affected with AKAP9-related conditions. This variant is present in population databases (rs370090382, gnomAD 0.0009%). This sequence change replaces valine, which is neutral and non-polar, with phenylalanine, which is neutral and non-polar, at codon 401 of the AKAP9 protein (p.Val401Phe).

NM_005751.5(AKAP9):c.1201G>T (p.Val401Phe)

Gene: AKAP9 (A-kinase anchoring protein 9; plus strand). Cytogenetic location: 7q21.2.
Variant type: single nucleotide variant.
Coding change: c.1201G>T on transcript NM_005751.5 (MANE Select); coding-DNA position 1201, G replaced by T.
Protein change: p.Val401Phe; replaces valine 401 with phenylalanine.
Molecular consequence: missense variant.
Genome position (GRCh38, 1-based): chr7:92,001,118, G>T. VCF-style: chr7-92001118-G-T. GRCh37 (hg19) VCF-style: chr7-91630432-G-T.
Other names: c.1201G>T, p.Val401Phe (NM_147185.3); short protein forms V401F.
Identifiers: ClinVar variation 2729137 (VCV002729137.4), dbSNP rs370090382, ClinGen allele CA4335974.
Genomic context (GRCh38, chr7:92,001,118, plus strand): 5'-ACTAATTCTAAGCAAAAAGAAAGACAGTCTTCTGAAGAAATAAAACAGTTAATGGGGACA[G>T]TCGAAGAACTTCAGAAGAGAAATCATAAAGACAGCCAGTTCGAAACTGATATAGTACAAC-3'
Protein context (NP_005742.4, residues 391-411): SEEIKQLMGT[Val401Phe]EELQKRNHKD